The following is an entry in ClinVar:

ClinVar aggregate classification (germline): Pathogenic (1 of 4 stars; one submission).

Submission:

Labcorp Genetics (formerly Invitae), Labcorp
Classification: Pathogenic. Last evaluated: 2020-10-04. Review status: criteria provided, single submitter. Criteria: Invitae Variant Classification Sherloc (09022015). Collection method: clinical testing. Allele origin: germline.
Comment: This variant is not present in population databases (ExAC no frequency). This sequence change creates a premature translational stop signal (p.Ser74*) in the SERPING1 gene. It is expected to result in an absent or disrupted protein product. For these reasons, this variant has been classified as Pathogenic. Loss-of-function variants in SERPING1 are known to be pathogenic (PMID: 11112899, 24456027). This variant has not been reported in the literature in individuals with SERPING1-related conditions.

Literature cited by the submitters: PubMed 11112899; PubMed 24456027.

NM_000062.3(SERPING1):c.221C>A (p.Ser74Ter)

Gene: SERPING1 (serpin family G member 1; plus strand). Cytogenetic location: 11q12.1.
Variant type: single nucleotide variant.
Coding change: c.221C>A on transcript NM_000062.3 (MANE Select); coding-DNA position 221, C replaced by A.
Protein change: p.Ser74Ter; replaces serine 74 with a stop codon.
Molecular consequence: nonsense.
Genome position (GRCh38, 1-based): chr11:57,600,048, C>A. VCF-style: chr11-57600048-C-A. GRCh37 (hg19) VCF-style: chr11-57367521-C-A.
Other names: c.221C>A, p.Ser74Ter (NM_001032295.2); short protein forms S74*.
Identifiers: ClinVar variation 1074911 (VCV001074911.7), dbSNP rs2135308212, ClinGen allele CA380694857.